The following is an entry in ClinVar:

NM_001128431.4(SLC39A14):c.1098C>T (p.Gly366=)

Gene: SLC39A14 (solute carrier family 39 member 14; plus strand). Cytogenetic location: 8p21.3.
Variant type: single nucleotide variant.
Coding change: c.1098C>T on transcript NM_001128431.4 (MANE Select); coding-DNA position 1098, C replaced by T.
Protein change: p.Gly366=; no amino-acid change (glycine 366 retained).
Molecular consequence: synonymous variant.
Genome position (GRCh38, 1-based): chr8:22,416,231, C>T. VCF-style: chr8-22416231-C-T. GRCh37 (hg19) VCF-style: chr8-22273744-C-T.
Other names: c.1098C>T, p.Gly366= (NM_001135153.3, NM_001135154.3, NM_001351655.2 and 3 more transcripts); c.1128C>T, p.Gly376= (NM_001351657.2, NM_001351658.2, NM_001351659.2).
Identifiers: ClinVar variation 1972888 (VCV001972888.5), dbSNP rs2487157599, ClinGen allele CA460172849.

ClinVar aggregate classification (germline): Uncertain significance (1 of 4 stars; one submission).

Allele frequency attached by ClinVar (database versions not stated): gnomAD exomes below 0.00001.
gnomAD v4.1: 2 of 1,613,622 alleles (0.00012%); highest among the groups gnomAD compares: Non-Finnish European, 0.00017%; no homozygotes.

Submission:

Labcorp Genetics (formerly Invitae), Labcorp
Classification: Uncertain significance. Last evaluated: 2022-07-13. Review status: criteria provided, single submitter. Criteria: Invitae Variant Classification Sherloc (09022015). Collection method: clinical testing. Allele origin: germline.
Comment: Algorithms developed to predict the effect of sequence changes on RNA splicing suggest that this variant may create or strengthen a splice site. This sequence change affects codon 366 of the SLC39A14 mRNA. It is a 'silent' change, meaning that it does not change the encoded amino acid sequence of the SLC39A14 protein. This variant is not present in population databases (gnomAD no frequency). This variant has not been reported in the literature in individuals affected with SLC39A14-related conditions. In summary, the available evidence is currently insufficient to determine the role of this variant in disease. Therefore, it has been classified as a Variant of Uncertain Significance.